The following is an entry in ClinVar:

ClinVar aggregate classification (germline): Uncertain significance (1 of 4 stars; one submission).

Conditions:
Neurofibromatosis, type 1 (NF1). Also called: Peripheral type neurofibromatosis; NEUROFIBROMATOSIS, TYPE I, SOMATIC; VON RECKLINGHAUSEN DISEASE; Neurofibromatosis, type I. Identifiers: Orphanet 636, MedGen C0027831, MONDO:0018975, OMIM 162200. Disease mechanism: loss of function.

Allele frequency attached by ClinVar (database versions not stated): gnomAD exomes below 0.00001.
gnomAD v4.1: 1 of 1,613,764 alleles (0.000062%); highest among the groups gnomAD compares: Non-Finnish European, 0.000085%; no homozygotes.

Submission:

Labcorp Genetics (formerly Invitae), Labcorp
Classification: Uncertain significance for Neurofibromatosis, type 1. Last evaluated: 2023-08-08. Review status: criteria provided, single submitter. Criteria: Invitae Variant Classification Sherloc (09022015). Collection method: clinical testing. Allele origin: germline.
Comment: This sequence change replaces methionine, which is neutral and non-polar, with valine, which is neutral and non-polar, at codon 643 of the NF1 protein (p.Met643Val). This variant is not present in population databases (gnomAD no frequency). This variant has not been reported in the literature in individuals affected with NF1-related conditions. Advanced modeling of protein sequence and biophysical properties (such as structural, functional, and spatial information, amino acid conservation, physicochemical variation, residue mobility, and thermodynamic stability) performed at Invitae indicates that this missense variant is not expected to disrupt NF1 protein function. In summary, the available evidence is currently insufficient to determine the role of this variant in disease. Therefore, it has been classified as a Variant of Uncertain Significance.

NM_001042492.3(NF1):c.1927A>G (p.Met643Val)

Gene: NF1 (neurofibromin 1; plus strand). Cytogenetic location: 17q11.2.
Variant type: single nucleotide variant.
Coding change: c.1927A>G on transcript NM_001042492.3 (MANE Select); coding-DNA position 1927, A replaced by G.
Protein change: p.Met643Val; replaces methionine 643 with valine.
Molecular consequence: missense variant.
Genome position (GRCh38, 1-based): chr17:31,225,176, A>G. VCF-style: chr17-31225176-A-G. GRCh37 (hg19) VCF-style: chr17-29552194-A-G.
Other names: c.1927A>G, p.Met643Val (NM_000267.4); short protein forms M643V.
Identifiers: ClinVar variation 2751158 (VCV002751158.3), dbSNP rs2144026855, ClinGen allele CA399005357.